The following is an entry in ClinVar:

ClinVar aggregate classification (germline): Likely benign (1 of 4 stars; one submission).

Submission:

CeGaT Center for Human Genetics Tuebingen
Classification: Likely benign. Last evaluated: 2025-09-01. Review status: criteria provided, single submitter. Criteria: CeGaT Center For Human Genetics Tuebingen Variant Classification Criteria Version 2. Collection method: clinical testing. Allele origin: germline. Affected: yes. Observed: 5 variant alleles.
Comment: MUC5B: BP4, BS1

NM_002458.3(MUC5B):c.12020C>T (p.Thr4007Ile)

Genes: MUC5B (mucin 5B, oligomeric mucus/gel-forming; plus strand), MUC5B-AS1 (MUC5B antisense RNA 1; minus strand). Cytogenetic location: 11p15.5.
Variant type: single nucleotide variant.
Coding change: c.12020C>T on transcript NM_002458.3 (MANE Select); coding-DNA position 12020, C replaced by T.
Protein change: p.Thr4007Ile; replaces threonine 4007 with isoleucine.
Molecular consequence: missense variant.
Genome position (GRCh38, 1-based): chr11:1,248,900, C>T. VCF-style: chr11-1248900-C-T. GRCh37 (hg19) VCF-style: chr11-1270130-C-T.
Other names: short protein forms T4007I.
Identifiers: ClinVar variation 3770595 (VCV003770595.13).